The following is an entry in ClinVar:

NM_004281.4(BAG3):c.1205C>G (p.Pro402Arg)

Gene: BAG3 (BAG cochaperone 3; plus strand). Cytogenetic location: 10q26.11.
Variant type: single nucleotide variant.
Coding change: c.1205C>G on transcript NM_004281.4 (MANE Select); coding-DNA position 1205, C replaced by G.
Protein change: p.Pro402Arg; replaces proline 402 with arginine.
Molecular consequence: missense variant.
Genome position (GRCh38, 1-based): chr10:119,676,759, C>G. VCF-style: chr10-119676759-C-G. GRCh37 (hg19) VCF-style: chr10-121436271-C-G.
Other names: short protein forms P402R.
Identifiers: ClinVar variation 4875126 (VCV004875126.2).

ClinVar aggregate classification (germline): Uncertain significance (1 of 4 stars; one submission).

Submission:

CeGaT Center for Human Genetics Tuebingen
Classification: Uncertain significance. Last evaluated: 2026-06-01. Review status: criteria provided, single submitter. Criteria: CeGaT Center For Human Genetics Tuebingen Variant Classification Criteria Version 2. Collection method: clinical testing. Allele origin: germline. Affected: yes. Observed: 1 variant allele.
Comment: BAG3: PM2, BP4